The following is an entry in ClinVar:

ClinVar aggregate classification (germline): Uncertain significance (1 of 4 stars; one submission).

Conditions:
Methylmalonic acidemia with homocystinuria, type cblX (MAHCX). Also called: INTELLECTUAL DEVELOPMENTAL DISORDER, X-LINKED 3. Identifiers: Orphanet 369962, MedGen C0796208, MONDO:0010657, OMIM 309541.

Submission:

Labcorp Genetics (formerly Invitae), Labcorp
Classification: Uncertain significance for Methylmalonic acidemia with homocystinuria, type cblX. Last evaluated: 2025-07-14. Review status: criteria provided, single submitter. Criteria: Invitae Variant Classification Sherloc (09022015). Collection method: clinical testing. Allele origin: germline.
Comment: This sequence change replaces asparagine, which is neutral and polar, with threonine, which is neutral and polar, at codon 1106 of the HCFC1 protein (p.Asn1106Thr). This variant is not present in population databases (gnomAD no frequency). This variant has not been reported in the literature in individuals affected with HCFC1-related conditions. ClinVar contains an entry for this variant (Variation ID: 959096). An algorithm developed to predict the effect of missense changes on protein structure and function (PolyPhen-2) suggests that this variant is likely to be tolerated. In summary, the available evidence is currently insufficient to determine the role of this variant in disease. Therefore, it has been classified as a Variant of Uncertain Significance.

NM_005334.3(HCFC1):c.3317A>C (p.Asn1106Thr)

Gene: HCFC1 (host cell factor C1; minus strand). Cytogenetic location: Xq28.
Variant type: single nucleotide variant.
Coding change: c.3317A>C on transcript NM_005334.3 (MANE Select); coding-DNA position 3317, A replaced by C.
Protein change: p.Asn1106Thr; replaces asparagine 1106 with threonine.
Molecular consequence: missense variant.
Genome position (GRCh38, 1-based): chrX:153,955,082, T>G on the plus strand (A>C on the coding strand, the complement: HCFC1 is on the minus strand). VCF-style: chrX-153955082-T-G. GRCh37 (hg19) VCF-style: chrX-153220533-T-G.
Other names: short protein forms N1106T.
Identifiers: ClinVar variation 959096 (VCV000959096.10), dbSNP rs2065360777, ClinGen allele CA415124841.